The following is an entry in ClinVar:

ClinVar aggregate classification (germline): Benign/Likely benign. Review status: criteria provided, multiple submitters, no conflicts (2 of 4 stars). 4 submissions from 4 submitters: Benign (1); Likely benign (2). 1 of the submissions does not count toward it. Last evaluated 2024-11-01.

Conditions:
DLG3-related disorder. Also called: DLG3-related condition.
Inborn genetic diseases. Identifiers: MedGen C0950123, MeSH D030342.

Allele frequency attached by ClinVar (database versions not stated): gnomAD exomes 0.00093; ExAC 0.00186; gnomAD 0.00302 and 0.00322; 1000 Genomes Project 0.00318; TOPMed 0.00331; 1000 Genomes Project 30x 0.00354; ESP Exome Variant Server 0.00360.
gnomAD v4.1: 699 of 1,201,978 alleles (0.058%); highest among the groups gnomAD compares: African/African-American, 1%; 4 homozygotes.

Submissions (4):

Blueprint Genetics
Classification: Likely benign. Last evaluated: 2024-11-01. Review status: criteria provided, single submitter. Criteria: ACMG Guidelines, 2015. Collection method: clinical testing. Allele origin: germline.

Labcorp Genetics (formerly Invitae), Labcorp
Classification: Benign. Last evaluated: 2019-12-31. Review status: criteria provided, single submitter. Criteria: Invitae Variant Classification Sherloc (09022015). Collection method: clinical testing. Allele origin: germline.

Ambry Genetics
Classification: Likely benign for Inborn genetic diseases. Last evaluated: 2014-12-13. Review status: criteria provided, single submitter. Criteria: Ambry Variant Classification Scheme 2023. Collection method: clinical testing. Allele origin: germline.

PreventionGenetics, part of Exact Sciences
Classification: Benign for DLG3-related condition. Last evaluated: 2020-03-17. Review status: no assertion criteria provided. Collection method: clinical testing. Allele origin: germline. Not counted in ClinVar's aggregate classification.
Comment: This variant is classified as benign based on ACMG/AMP sequence variant interpretation guidelines (Richards et al. 2015 PMID: 25741868, with internal and published modifications).

NM_021120.4(DLG3):c.2298C>A (p.Ile766=)

Gene: DLG3 (discs large MAGUK scaffold protein 3; plus strand). Cytogenetic location: Xq13.1.
Variant type: single nucleotide variant.
Coding change: c.2298C>A on transcript NM_021120.4 (MANE Select); coding-DNA position 2298, C replaced by A.
Protein change: p.Ile766=; no amino-acid change (isoleucine 766 retained).
Molecular consequence: synonymous variant.
Genome position (GRCh38, 1-based): chrX:70,500,940, C>A. VCF-style: chrX-70500940-C-A. GRCh37 (hg19) VCF-style: chrX-69720790-C-A.
Other names: c.945C>A, p.Ile315= (NM_001166278.2); c.1383C>A, p.Ile461= (NM_020730.3).
Identifiers: ClinVar variation 728789 (VCV000728789.9), dbSNP rs143215760, ClinGen allele CA10442366.